The following is an entry in ClinVar:

ClinVar aggregate classification (germline): Benign/Likely benign. Review status: criteria provided, multiple submitters, no conflicts (2 of 4 stars). 4 submissions from 4 submitters: Benign (2); Likely benign (1). 1 of the submissions does not count toward it. Last evaluated 2026-02-01.

Conditions:
SAMD9L-related disorder. Also called: SAMD9L-related disorders; SAMD9L-related condition.

Allele frequency attached by ClinVar (database versions not stated): 1000 Genomes Project 30x 0.00047; 1000 Genomes Project 0.00060; TOPMed 0.00099; ESP Exome Variant Server 0.00115; gnomAD 0.00135 and 0.00141; gnomAD exomes 0.00157 and 0.00166; ExAC 0.00184.
gnomAD v4.1: 2,647 of 1,613,440 alleles (0.16%); highest among the groups gnomAD compares: Non-Finnish European, 0.18%; 1 homozygote.

Submissions (4):

Labcorp Genetics (formerly Invitae), Labcorp
Classification: Benign. Last evaluated: 2026-02-01. Review status: criteria provided, single submitter. Criteria: Invitae Variant Classification Sherloc (09022015). Collection method: clinical testing. Allele origin: germline.

Blueprint Genetics
Classification: Likely benign. Last evaluated: 2024-11-27. Review status: criteria provided, single submitter. Criteria: ACMG Guidelines, 2015. Collection method: clinical testing. Allele origin: germline.

Genetic Services Laboratory, University of Chicago
Classification: Benign. Last evaluated: 2019-04-03. Review status: criteria provided, single submitter. Criteria: ACMG Guidelines, 2015. Collection method: clinical testing. Allele origin: germline. Affected: no.

PreventionGenetics, part of Exact Sciences
Classification: Likely benign for SAMD9L-related condition. Last evaluated: 2021-05-25. Review status: no assertion criteria provided. Collection method: clinical testing. Allele origin: germline. Not counted in ClinVar's aggregate classification.
Comment: This variant is classified as likely benign based on ACMG/AMP sequence variant interpretation guidelines (Richards et al. 2015 PMID: 25741868, with internal and published modifications).

NM_152703.5(SAMD9L):c.1696G>A (p.Ala566Thr)

Gene: SAMD9L (sterile alpha motif domain containing 9 like; minus strand). Cytogenetic location: 7q21.2.
Variant type: single nucleotide variant.
Coding change: c.1696G>A on transcript NM_152703.5 (MANE Select); coding-DNA position 1696, G replaced by A.
Protein change: p.Ala566Thr; replaces alanine 566 with threonine.
Molecular consequence: missense variant.
Genome position (GRCh38, 1-based): chr7:93,134,276, C>T on the plus strand (G>A on the coding strand, the complement: SAMD9L is on the minus strand). VCF-style: chr7-93134276-C-T. GRCh37 (hg19) VCF-style: chr7-92763589-C-T.
Other names: c.1696G>A, p.Ala566Thr (NM_001303496.3, NM_001303497.3, NM_001303498.3 and 5 more transcripts); c.1696G>A (NM_152703.3); short protein forms A566T.
Identifiers: ClinVar variation 716940 (VCV000716940.17), dbSNP rs143593856, ClinGen allele CA4343694.
Genomic context (GRCh38, chr7:93,134,276, plus strand): 5'-TATGTGAGTTTACAGAGATACACAACATATTTTCCATTCCTTTGAGAGCTTGATAGAAAG[C>T]CCAGAAAGTTTCAATGAGTGGATCTCCTGGGCTTTCCACTGAAGAGAGTAATAGAAACAC-3'
Protein context (NP_689916.2, residues 556-576): PGDPLIETFW[Ala566Thr]FYQALKGMEN